The following is an entry in ClinVar:

ClinVar aggregate classification (germline): Likely benign (0 of 4 stars; one submission).

Conditions:
IL10RA-related disorder. Also called: IL10RA-related condition.

gnomAD v4.1: 1 of 1,552,442 alleles (0.000064%); highest among the groups gnomAD compares: East Asian, 0.0024%; no homozygotes.

Submission:

PreventionGenetics, part of Exact Sciences
Classification: Likely benign for IL10RA-related condition. Last evaluated: 2023-11-08. Review status: no assertion criteria provided. Collection method: clinical testing. Allele origin: germline.
Comment: This variant is classified as likely benign based on ACMG/AMP sequence variant interpretation guidelines (Richards et al. 2015 PMID: 25741868, with internal and published modifications).

NM_001558.4(IL10RA):c.67+8T>G

Gene: IL10RA (interleukin 10 receptor subunit alpha; plus strand). Cytogenetic location: 11q23.3.
Variant type: single nucleotide variant.
Coding change: c.67+8T>G on transcript NM_001558.4 (MANE Select); 8 bases into the intron after coding-DNA position 67, T replaced by G.
Molecular consequence: intron variant.
Genome position (GRCh38, 1-based): chr11:117,986,542, T>G. VCF-style: chr11-117986542-T-G. GRCh37 (hg19) VCF-style: chr11-117857257-T-G.
Identifiers: ClinVar variation 3032562 (VCV003032562.2), dbSNP rs200992970, ClinGen allele CA672321429.